The following is an entry in ClinVar:

ClinVar aggregate classification (germline): Conflicting classifications of pathogenicity. Review status: criteria provided, conflicting classifications (1 of 4 stars). 3 submissions from 3 submitters: Likely pathogenic (1); Uncertain significance (1). 1 of the submissions does not count toward it. Last evaluated 2022-08-22.

Conditions:
Rhizomelic chondrodysplasia punctata (RCDP). Identifiers: Orphanet 177, MedGen C0282529, MONDO:0015776. Disease mechanism: loss of function.
Peroxisome biogenesis disorder 9B. Also called: PEX7-Related Refsum Disease; PEROXISOME BIOGENESIS DISORDER, PEX7-RELATED, ATYPICAL; Refsum disease, adult, 2. Identifiers: Orphanet 773, MedGen C2749346, MONDO:0013945, OMIM 614879.
Rhizomelic chondrodysplasia punctata type 1 (RCDP1). Also called: PEROXISOME BIOGENESIS DISORDER 9; CHONDRODYSTROPHIA CALCIFICANS PUNCTATA; PEX7-Related Rhizomelic Chondrodysplasia Punctata. Identifiers: Orphanet 177, Orphanet 309789, MedGen C1859133, MONDO:0008972, OMIM 215100. Disease mechanism: loss of function.

Allele frequency attached by ClinVar (database versions not stated): TOPMed 0.00001.
gnomAD v4.1: 2 of 1,344,426 alleles (0.00015%); highest among the groups gnomAD compares: East Asian, 0.0063%; no homozygotes.

Submissions (3):

Labcorp Genetics (formerly Invitae), Labcorp
Classification: Uncertain significance for Peroxisome biogenesis disorder 9B. Last evaluated: 2022-08-22. Review status: criteria provided, single submitter. Criteria: Invitae Variant Classification Sherloc (09022015). Collection method: clinical testing. Allele origin: germline.
Comment: This sequence change replaces glycine, which is neutral and non-polar, with arginine, which is basic and polar, at codon 41 of the PEX7 protein (p.Gly41Arg). This variant is not present in population databases (gnomAD no frequency). This variant has not been reported in the literature in individuals affected with PEX7-related conditions. ClinVar contains an entry for this variant (Variation ID: 1008460). Algorithms developed to predict the effect of missense changes on protein structure and function (SIFT, PolyPhen-2, Align-GVGD) all suggest that this variant is likely to be disruptive. In summary, the available evidence is currently insufficient to determine the role of this variant in disease. Therefore, it has been classified as a Variant of Uncertain Significance.

Juno Genomics, Hangzhou Juno Genomics, Inc
Classification: Likely pathogenic for Peroxisome biogenesis disorder 9B; Rhizomelic chondrodysplasia punctata type 1. Review status: criteria provided, single submitter. Criteria: ACMG Guidelines, 2015. Collection method: clinical testing. Allele origin: germline. Affected: yes.
Comment: Absent from controls (or at extremely low frequency if recessive) in Genome Aggregation Database.;Multiple lines of computational evidence support a deleterious effect on the gene or gene product.;For recessive disorders, detected in trans with a pathogenic variant.

Natera, Inc.
Classification: Uncertain significance for Rhizomelic Chondrodysplasia Punctata. Last evaluated: 2020-03-31. Review status: no assertion criteria provided. Collection method: clinical testing. Allele origin: germline. Not counted in ClinVar's aggregate classification.

NM_000288.4(PEX7):c.121G>C (p.Gly41Arg)

Gene: PEX7 (peroxisomal biogenesis factor 7; plus strand). Cytogenetic location: 6q23.3.
Variant type: single nucleotide variant.
Coding change: c.121G>C on transcript NM_000288.4 (MANE Select); coding-DNA position 121, G replaced by C.
Protein change: p.Gly41Arg; replaces glycine 41 with arginine.
Molecular consequence: missense variant.
Genome position (GRCh38, 1-based): chr6:136,822,786, G>C. VCF-style: chr6-136822786-G-C. GRCh37 (hg19) VCF-style: chr6-137143924-G-C.
Other names: short protein forms G41R.
Identifiers: ClinVar variation 1008460 (VCV001008460.10), dbSNP rs1210968366, ClinGen allele CA365855448.